The following is an entry in ClinVar:

ClinVar aggregate classification (germline): Uncertain significance (1 of 4 stars; one submission).

Conditions:
Distal hereditary motor neuropathy type 2. Identifiers: Orphanet 139525, MedGen C3711384, MeSH C580044, MONDO:0015352.

Submission:

Labcorp Genetics (formerly Invitae), Labcorp
Classification: Uncertain significance for Distal hereditary motor neuropathy type 2. Last evaluated: 2022-09-23. Review status: criteria provided, single submitter. Criteria: Invitae Variant Classification Sherloc (09022015). Collection method: clinical testing. Allele origin: germline.
Comment: This variant is not present in population databases (gnomAD no frequency). In summary, the available evidence is currently insufficient to determine the role of this variant in disease. Therefore, it has been classified as a Variant of Uncertain Significance. Algorithms developed to predict the effect of missense changes on protein structure and function (SIFT, PolyPhen-2, Align-GVGD) all suggest that this variant is likely to be disruptive. This variant has not been reported in the literature in individuals affected with FBXO38-related conditions. This sequence change replaces valine, which is neutral and non-polar, with leucine, which is neutral and non-polar, at codon 1108 of the FBXO38 protein (p.Val1108Leu).

NM_205836.3(FBXO38):c.3547G>C (p.Val1183Leu)

Gene: FBXO38 (F-box protein 38; plus strand). Cytogenetic location: 5q32.
Variant type: single nucleotide variant.
Coding change: c.3547G>C on transcript NM_205836.3 (MANE Select); coding-DNA position 3547, G replaced by C.
Protein change: p.Val1183Leu; replaces valine 1183 with leucine.
Molecular consequence: missense variant.
Genome position (GRCh38, 1-based): chr5:148,442,127, G>C. VCF-style: chr5-148442127-G-C. GRCh37 (hg19) VCF-style: chr5-147821690-G-C.
Other names: c.2812G>C, p.Val938Leu (NM_001271723.2); c.3322G>C, p.Val1108Leu (NM_030793.5); short protein forms V1108L, V1183L, V938L.
Identifiers: ClinVar variation 1717659 (VCV001717659.5), dbSNP rs143682696, ClinGen allele CA361661872.